The following is an entry in ClinVar:

ClinVar aggregate classification (germline): Uncertain significance. Review status: criteria provided, multiple submitters, no conflicts (2 of 4 stars). 2 submissions from 2 submitters: Uncertain significance (2). Last evaluated 2024-09-02.

Conditions:
Inborn genetic diseases. Identifiers: MedGen C0950123, MeSH D030342.

Allele frequency attached by ClinVar (database versions not stated): gnomAD exomes 0.00001; gnomAD 0.00003; TOPMed 0.00003; ExAC 0.00004.

Submissions (2):

Ambry Genetics
Classification: Uncertain significance for Inborn genetic diseases. Last evaluated: 2024-09-02. Review status: criteria provided, single submitter. Criteria: Ambry Variant Classification Scheme 2023. Collection method: clinical testing. Allele origin: germline.

Labcorp Genetics (formerly Invitae), Labcorp
Classification: Uncertain significance. Last evaluated: 2023-05-20. Review status: criteria provided, single submitter. Criteria: Invitae Variant Classification Sherloc (09022015). Collection method: clinical testing. Allele origin: germline.
Comment: This variant has not been reported in the literature in individuals affected with TBXA2R-related conditions. In summary, the available evidence is currently insufficient to determine the role of this variant in disease. Therefore, it has been classified as a Variant of Uncertain Significance. An algorithm developed to predict the effect of missense changes on protein structure and function (PolyPhen-2) suggests that this variant is likely to be tolerated. This variant is present in population databases (rs775815868, gnomAD 0.01%). This sequence change replaces glutamine, which is neutral and polar, with arginine, which is basic and polar, at codon 343 of the TBXA2R protein (p.Gln343Arg).

NM_001060.6(TBXA2R):c.1028A>G (p.Gln343Arg)

Gene: TBXA2R (thromboxane A2 receptor; minus strand). Cytogenetic location: 19p13.3.
Variant type: single nucleotide variant.
Coding change: c.1028A>G on transcript NM_001060.6 (MANE Select); coding-DNA position 1028, A replaced by G.
Protein change: p.Gln343Arg; replaces glutamine 343 with arginine.
Molecular consequence: missense variant. On other transcripts: intron variant (1).
Genome position (GRCh38, 1-based): chr19:3,595,692, T>C on the plus strand (A>G on the coding strand, the complement: TBXA2R is on the minus strand). VCF-style: chr19-3595692-T-C. GRCh37 (hg19) VCF-style: chr19-3595690-T-C.
Other names: c.983+45A>G (NM_201636.3); short protein forms Q343R.
Identifiers: ClinVar variation 3019619 (VCV003019619.4), dbSNP rs775815868, ClinGen allele CA9080710.
Genomic context (GRCh38, chr19:3,595,692, plus strand): 5'-GTCCGAGGGGCCAAGGGCTCCGCGGAAAGGCGCGGGAGGGGCGCTCTGTCCACTTCCTAC[T>C]GCAGCCCGGAGCGCTGCGTGAGCTGGGGCTGGAGGGACAGCGACCTGGGCCGGGTGCTGA-3'
Protein context (NP_001051.1, residues 333-343): QPQLTQRSGL[Gln343Arg]